The following is an entry in ClinVar:

NM_016729.3(FOLR1):c.148G>A (p.Glu50Lys)

Genes: FOLR1-AS1 (FOLR1 antisense RNA 1; minus strand), FOLR1 (folate receptor alpha; plus strand). Cytogenetic location: 11q13.4.
Variant type: single nucleotide variant.
Coding change: c.148G>A on transcript NM_016729.3 (MANE Select); coding-DNA position 148, G replaced by A.
Protein change: p.Glu50Lys; replaces glutamic acid 50 with lysine.
Molecular consequence: missense variant.
Genome position (GRCh38, 1-based): chr11:72,192,321, G>A. VCF-style: chr11-72192321-G-A. GRCh37 (hg19) VCF-style: chr11-71903365-G-A.
Other names: c.148G>A, p.Glu50Lys (NM_000802.3, NM_016724.3, NM_016725.3 and 1 more transcripts); short protein forms E50K.
Identifiers: ClinVar variation 2585157 (VCV002585157.1), dbSNP rs1488460520, ClinGen allele CA381729945.
Genomic context (GRCh38, chr11:72,192,321, plus strand): 5'-AGGACTGAGCTTCTCAATGTCTGCATGAACGCCAAGCACCACAAGGAAAAGCCAGGCCCC[G>A]AGGACAAGTTGCATGAGCAGGTGGGCCAGGGGGTGATCTGGGGTGGTGAGGGACTGGCTC-3'
Protein context (NP_057941.1, residues 40-60): AKHHKEKPGP[Glu50Lys]DKLHEQCRPW

ClinVar aggregate classification (germline): Uncertain significance (1 of 4 stars; one submission).

Conditions:
Cerebral folate transport deficiency. Also called: FOLATE RECEPTOR DEFICIENCY; FOLR1-Related Cerebral Folate Transport Deficiency; Cerebral folate deficiency syndrome; NEURODEGENERATION DUE TO CEREBRAL FOLATE TRANSPORT DEFICIENCY; Neurodegenerative syndrome due to cerebral folate transport deficiency. Identifiers: Orphanet 217382, MedGen C2751584, MONDO:0013110, OMIM 613068. Disease mechanism: loss of function.

Allele frequency attached by ClinVar (database versions not stated): gnomAD exomes below 0.00001; gnomAD 0.00001; TOPMed 0.00001.
gnomAD v4.1: 9 of 1,613,956 alleles (0.00056%); highest among the groups gnomAD compares: African/African-American, 0.0013%; no homozygotes.

Submission:

Neuberg Centre For Genomic Medicine, NCGM
Classification: Uncertain significance for Cerebral folate transport deficiency. Review status: criteria provided, single submitter. Criteria: ACMG Guidelines, 2015. Collection method: clinical testing. Allele origin: germline. Inheritance: Autosomal recessive inheritance. Affected: yes.
Comment: The missense variant c.148G>A (p.Glu50Lys) in FLOR1 gene has not been reported previously as a pathogenic variant nor as a benign variant, to our knowledge. The p.Glu50Lys variant is novel (not in any individuals) in gnomAD Exomes and 1000 Genomes. The amino acid Glu at position 50 is changed to a Lys changing protein sequence and it might alter its composition and physico-chemical properties. The amino acid change p.Glu50Lys in FOLR1 is predicted as conserved by GERP++ and PhyloP across 100 vertebrates. For these reasons, this variant has been classified as Uncertain Significance .